The following is an entry in ClinVar:

ClinVar aggregate classification (germline): Uncertain significance. Review status: criteria provided, multiple submitters, no conflicts (2 of 4 stars). 6 submissions from 6 submitters: Uncertain significance (5). 1 of the submissions does not count toward it. Last evaluated 2025-05-05.

Conditions:
Hereditary cancer-predisposing syndrome. Also called: Tumor predisposition; Hereditary neoplastic syndrome; Hereditary Cancer Syndrome; Neoplastic Syndromes, Hereditary. Identifiers: Orphanet 140162, MedGen C0027672, MeSH D009386, MONDO:0015356.
Hereditary breast ovarian cancer syndrome. Also called: Hereditary breast and/or ovarian cancer syndrome; Breast and ovarian cancer; Hereditary breast and ovarian cancer syndrome; Hereditary breast and ovarian cancer; Hereditary breast and ovarian cancer syndrome (HBOC); BRCA1- and BRCA2-Associated Hereditary Breast and Ovarian Cancer. Identifiers: Orphanet 145, MedGen C0677776, MeSH D061325, MONDO:0003582. Disease mechanism: loss of function.
Breast-ovarian cancer, familial, susceptibility to, 1 (BROVCA1). Also called: BRCA1 Hereditary Breast and Ovarian Cancer; OVARIAN CANCER, SUSCEPTIBILITY TO. Identifiers: Orphanet 145, MedGen C2676676, MONDO:0011450, OMIM 604370. Disease mechanism: loss of function.

Allele frequency attached by ClinVar (database versions not stated): gnomAD exomes below 0.00001.
gnomAD v4.1: 1 of 1,611,878 alleles (0.000062%); highest among the groups gnomAD compares: Non-Finnish European, 0.000085%; no homozygotes.

Submissions (7):

Unidad de Genética Molecular HGU Elche, Hospital General Universitario de Elche
Classification: Uncertain significance for Hereditary cancer-predisposing syndrome. Last evaluated: 2025-05-05. Review status: criteria provided, single submitter. Criteria: ACMG Guidelines, 2015. Collection method: clinical testing. Allele origin: germline. Affected: yes.
Comment: PP3 strong; PM2 supporting

Ambry Genetics
Classification: Uncertain significance for Hereditary cancer-predisposing syndrome. Last evaluated: 2024-12-22. Review status: criteria provided, single submitter. Criteria: Ambry Variant Classification Scheme 2023. Collection method: clinical testing. Allele origin: germline.
Comment: The c.301+5G>A intronic variant results from a G to A substitution 5 nucleotides after coding exon 4 in the BRCA1 gene. This nucleotide position is highly conserved in available vertebrate species. In silico splice site analysis predicts that this alteration will weaken the native splice donor site. One functional study found that this nucleotide substitution is non-functional in a high-throughput, genome editing, haploid cell survival assay (Findlay GM et al. Nature, 2018 10;562:217-222). However a close match canonical alteration with the same splice impact has been identified in trans with a pathogenic mutation in BRCA1 in an individual without features of Fanconi Anemia (Ambry internal data, personal communication). Since supporting evidence is conflicting at this time, the clinical significance of this alteration remains unclear.

Labcorp Genetics (formerly Invitae), Labcorp
Classification: Uncertain significance for Hereditary breast ovarian cancer syndrome. Last evaluated: 2024-11-05. Review status: criteria provided, single submitter. Criteria: Invitae Variant Classification Sherloc (09022015). Collection method: clinical testing. Allele origin: germline.
Comment: This sequence change falls in intron 5 of the BRCA1 gene. It does not directly change the encoded amino acid sequence of the BRCA1 protein. RNA analysis indicates that this variant induces altered splicing and likely results in the loss of 4 and insertion of 1 amino acid residue(s), but is expected to preserve the integrity of the reading-frame. This variant is not present in population databases (gnomAD no frequency). This variant has not been reported in the literature in individuals affected with BRCA1-related conditions. ClinVar contains an entry for this variant (Variation ID: 125665). Studies have shown that this variant alters BRCA1 gene expression (PMID: 30209399). Variants that disrupt the consensus splice site are a relatively common cause of aberrant splicing (PMID: 17576681, 9536098). Studies have shown that this variant results in the activation of a cryptic splice site in exon 6 (internal data). In summary, the available evidence is currently insufficient to determine the role of this variant in disease. Therefore, it has been classified as a Variant of Uncertain Significance.

Baylor Genetics
Classification: Uncertain significance for Breast-ovarian cancer, familial, susceptibility to, 1. Last evaluated: 2023-12-25. Review status: criteria provided, single submitter. Criteria: ACMG Guidelines, 2015. Collection method: clinical testing. Allele origin: unknown.

Quest Diagnostics Nichols Institute San Juan Capistrano
Classification: Uncertain significance. Last evaluated: 2023-11-22. Review status: criteria provided, single submitter. Criteria: Quest Diagnostics criteria. Collection method: clinical testing. Allele origin: unknown.
Comment: The BRCA1 c.301+5G>A variant has been reported in the published literature in literature in a functional study that showed inconclusive results regarding the variant's impact on protein function (PMID: 30209399 (2018)). This variant has not been reported in large, multi-ethnic general populations (Genome Aggregation Database). Analysis of this variant using software algorithms for the prediction of the effect of nucleotide changes on splicing yielded predictions that this variant may affect proper BRCA1 mRNA splicing. Based on the available information, we are unable to determine the clinical significance of this variant.

Breast Cancer Information Core (BIC) (BRCA1)
Classification: Uncertain significance for Breast-ovarian cancer, familial 1. Last evaluated: 2004-11-25. Review status: no assertion criteria provided. Collection method: clinical testing. Allele origin: germline. Affected: yes. Observed: 1 variant allele. Not counted in ClinVar's aggregate classification.

Brotman Baty Institute, University of Washington
No classification provided (evidence only). Condition: Breast-ovarian cancer, familial 1. Review status: no classification provided. Collection method: in vitro. Allele origin: not applicable. Functional consequence: functionally_abnormal. Not counted in ClinVar's aggregate classification.
ClinVar note: "not provided" was previously submitted as the classification for the variant. However, the classification appeared to be based only on an observation of functional data so it was converted to no classification on 2025-07-30.

Literature cited by the submitters: PubMed 30209399 (cited by 3 submitters); PubMed 17576681 (cited by Labcorp Genetics (formerly Invitae), Labcorp); PubMed 9536098 (cited by Labcorp Genetics (formerly Invitae), Labcorp).

NM_007294.4(BRCA1):c.301+5G>A

Gene: BRCA1 (BRCA1 DNA repair associated; minus strand). Cytogenetic location: 17q21.31.
Variant type: single nucleotide variant.
Coding change: c.301+5G>A on transcript NM_007294.4 (MANE Select); 5 bases into the intron after coding-DNA position 301, G replaced by A.
Molecular consequence: intron variant.
Genome position (GRCh38, 1-based): chr17:43,104,863, C>T on the plus strand (G>A on the coding strand, the complement: BRCA1 is on the minus strand). VCF-style: chr17-43104863-C-T. GRCh37 (hg19) VCF-style: chr17-41256880-C-T.
Other names: IVS6+5G>A; c.301+5G>A (NM_001407975.1, NM_001407971.1, NM_001408406.1 and 164 more transcripts); c.-81+5G>A (NM_001407965.1, NM_001407959.1, NM_001407962.1 and 4 more transcripts); c.160+5G>A (NM_001407930.1, NM_001407843.1, NM_001408456.1 and 99 more transcripts); c.91+5G>A (NM_001408482.1, NM_001407954.1, NM_001407896.1 and 58 more transcripts); c.223+5G>A (NM_001407874.1, NM_001408416.1, NM_001408414.1 and 21 more transcripts); c.-218-10003G>A (NM_001407967.1, NM_001407966.1); c.169+5G>A (NM_001408451.1); and 1 more.
Identifiers: ClinVar variation 125665 (VCV000125665.16), dbSNP rs80358149, ClinGen allele CA001968.
Genomic context (GRCh38, chr17:43,104,863, plus strand): 5'-GTGCAAACTTCCTGAGTTTTCATGGACAGCACTTGAGTGTCATTCTTGGGATATTCAACA[C>T]TTACACTCCAAACCTGTGTCAAGCTGAAAAGCACAAATGATTTTCAATAGCTCTTCAACA-3'